The following is an entry in ClinVar:

ClinVar aggregate classification (germline): Uncertain significance (1 of 4 stars; one submission).

Allele frequency attached by ClinVar (database versions not stated): gnomAD 0.00001; gnomAD exomes 0.00001 and 0.00003; TOPMed 0.00002; ExAC 0.00003.
gnomAD v4.1: 17 of 1,604,962 alleles (0.0011%); highest among the groups gnomAD compares: South Asian, 0.0034%; no homozygotes.

Submission:

Labcorp Genetics (formerly Invitae), Labcorp
Classification: Uncertain significance. Last evaluated: 2022-08-31. Review status: criteria provided, single submitter. Criteria: Invitae Variant Classification Sherloc (09022015). Collection method: clinical testing. Allele origin: germline.
Comment: This sequence change replaces arginine, which is basic and polar, with cysteine, which is neutral and slightly polar, at codon 248 of the MCM4 protein (p.Arg248Cys). This variant is present in population databases (rs771549543, gnomAD 0.01%). This variant has not been reported in the literature in individuals affected with MCM4-related conditions. ClinVar contains an entry for this variant (Variation ID: 1352248). Algorithms developed to predict the effect of missense changes on protein structure and function are either unavailable or do not agree on the potential impact of this missense change (SIFT: "Deleterious"; PolyPhen-2: "Benign"; Align-GVGD: "Class C25"). In summary, the available evidence is currently insufficient to determine the role of this variant in disease. Therefore, it has been classified as a Variant of Uncertain Significance.

NM_182746.3(MCM4):c.742C>T (p.Arg248Cys)

Gene: MCM4 (minichromosome maintenance complex component 4; plus strand). Cytogenetic location: 8q11.21.
Variant type: single nucleotide variant.
Coding change: c.742C>T on transcript NM_182746.3 (MANE Select); coding-DNA position 742, C replaced by T.
Protein change: p.Arg248Cys; replaces arginine 248 with cysteine.
Molecular consequence: missense variant.
Genome position (GRCh38, 1-based): chr8:47,964,622, C>T. VCF-style: chr8-47964622-C-T. GRCh37 (hg19) VCF-style: chr8-48877182-C-T.
Other names: c.742C>T, p.Arg248Cys (NM_005914.4); short protein forms R248C.
Identifiers: ClinVar variation 1352248 (VCV001352248.7), dbSNP rs771549543, ClinGen allele CA4742414.
Genomic context (GRCh38, chr8:47,964,622, plus strand): 5'-TTGTTTTTACAGGAAGTTATTCCAACTTTTGACATGGCTGTCAATGAAATCTTCTTTGAC[C>T]GTTACCCTGACTCAATCTTAGAACATCAGATTCAAGTAAGACCATTCAACGCATTGAAGA-3'
Protein context (NP_877423.1, residues 238-258): DMAVNEIFFD[Arg248Cys]YPDSILEHQI